The following is an entry in ClinVar:

ClinVar aggregate classification (germline): Uncertain significance (1 of 4 stars; one submission).

Conditions:
RASopathy. Also called: Noonan spectrum disorder; rasopathies. Identifiers: Orphanet 536391, MedGen C5555857, MONDO:0021060.

Submission:

Labcorp Genetics (formerly Invitae), Labcorp
Classification: Uncertain significance for RASopathy. Last evaluated: 2023-04-28. Review status: criteria provided, single submitter. Criteria: Invitae Variant Classification Sherloc (09022015). Collection method: clinical testing. Allele origin: germline.
Comment: This sequence change falls in intron 19 of the SOS1 gene. It does not directly change the encoded amino acid sequence of the SOS1 protein. It affects a nucleotide within the consensus splice site. This variant is not present in population databases (gnomAD no frequency). This variant has not been reported in the literature in individuals affected with SOS1-related conditions. Variants that disrupt the consensus splice site are a relatively common cause of aberrant splicing (PMID: 17576681, 9536098). Algorithms developed to predict the effect of sequence changes on RNA splicing suggest that this variant is not likely to affect RNA splicing. In summary, the available evidence is currently insufficient to determine the role of this variant in disease. Therefore, it has been classified as a Variant of Uncertain Significance.

Literature cited by the submitters: PubMed 17576681; PubMed 9536098.

NM_005633.4(SOS1):c.3081+6C>T

Gene: SOS1 (SOS Ras/Rac guanine nucleotide exchange factor 1; minus strand). Cytogenetic location: 2p22.1.
Variant type: single nucleotide variant.
Coding change: c.3081+6C>T on transcript NM_005633.4 (MANE Select); 6 bases into the intron after coding-DNA position 3081, C replaced by T.
Molecular consequence: intron variant.
Genome position (GRCh38, 1-based): chr2:38,996,916, G>A on the plus strand (C>T on the coding strand, the complement: SOS1 is on the minus strand). VCF-style: chr2-38996916-G-A. GRCh37 (hg19) VCF-style: chr2-39224057-G-A.
Other names: c.3060+6C>T (NM_001382394.1); c.3081+6C>T (NM_001382395.1).
Identifiers: ClinVar variation 2860053 (VCV002860053.3), dbSNP rs2528923304, ClinGen allele CA2658713060.
Genomic context (GRCh38, chr2:38,996,916, plus strand): 5'-TTTATGGAAAACTATATAACACATATGGTAGTAATGACATCACCAGACAAATATACAAAT[G>A]CTTACAAATCTTGGGAGAGGCTTAGGGTTTCGTGGTTCTATTTCTAGGGATTTGTTGAAA-3'